The following is an entry in ClinVar:

ClinVar aggregate classification (germline): Likely benign. Review status: criteria provided, multiple submitters, no conflicts (2 of 4 stars). 2 submissions from 2 submitters: Likely benign (2). Last evaluated 2026-03-01.

Conditions:
Kabuki syndrome. Also called: NIIKAWA-KUROKI SYNDROME; Kabuki make-up syndrome. Identifiers: Orphanet 2322, MedGen C0796004, MONDO:0016512.

Allele frequency attached by ClinVar (database versions not stated): gnomAD 0.00001; ExAC 0.00002; gnomAD exomes 0.00002; TOPMed 0.00002.
gnomAD v4.1: 26 of 1,613,512 alleles (0.0016%); highest among the groups gnomAD compares: Non-Finnish European, 0.0021%; no homozygotes.

Submissions (2):

CeGaT Center for Human Genetics Tuebingen
Classification: Likely benign. Last evaluated: 2026-03-01. Review status: criteria provided, single submitter. Criteria: CeGaT Center For Human Genetics Tuebingen Variant Classification Criteria Version 2. Collection method: clinical testing. Allele origin: germline. Affected: yes. Observed: 2 variant alleles.
Comment: KMT2D: BP4

Labcorp Genetics (formerly Invitae), Labcorp
Classification: Likely benign for Kabuki syndrome. Last evaluated: 2022-12-06. Review status: criteria provided, single submitter. Criteria: Invitae Variant Classification Sherloc (09022015). Collection method: clinical testing. Allele origin: germline.

NM_003482.4(KMT2D):c.8941C>G (p.Leu2981Val)

Gene: KMT2D (lysine methyltransferase 2D; minus strand). Cytogenetic location: 12q13.12.
Variant type: single nucleotide variant.
Coding change: c.8941C>G on transcript NM_003482.4 (MANE Select); coding-DNA position 8941, C replaced by G.
Protein change: p.Leu2981Val; replaces leucine 2981 with valine.
Molecular consequence: missense variant.
Genome position (GRCh38, 1-based): chr12:49,038,415, G>C on the plus strand (C>G on the coding strand, the complement: KMT2D is on the minus strand). VCF-style: chr12-49038415-G-C. GRCh37 (hg19) VCF-style: chr12-49432198-G-C.
Other names: short protein forms L2981V.
Identifiers: ClinVar variation 1578463 (VCV001578463.18), dbSNP rs747753219, ClinGen allele CA6546764.